The following is an entry in ClinVar:

NM_003924.4(PHOX2B):c.898A>T (p.Arg300Ter)

Gene: PHOX2B (paired like homeobox 2B; minus strand). Cytogenetic location: 4p13.
Variant type: single nucleotide variant.
Coding change: c.898A>T on transcript NM_003924.4 (MANE Select); coding-DNA position 898, A replaced by T.
Protein change: p.Arg300Ter; replaces arginine 300 with a stop codon.
Molecular consequence: nonsense.
Genome position (GRCh38, 1-based): chr4:41,745,854, T>A on the plus strand (A>T on the coding strand, the complement: PHOX2B is on the minus strand). VCF-style: chr4-41745854-T-A. GRCh37 (hg19) VCF-style: chr4-41747871-T-A.
Other names: short protein forms R300*.
Identifiers: ClinVar variation 1462111 (VCV001462111.8), dbSNP rs2153112730, ClinGen allele CA356736804.

ClinVar aggregate classification (germline): Uncertain significance (1 of 4 stars; one submission).

Conditions:
Haddad syndrome (OHD). Also called: Ondine-Hirschsprung disease. Identifiers: Orphanet 99803, MedGen C1859049, MONDO:0020493.

Submission:

Labcorp Genetics (formerly Invitae), Labcorp
Classification: Uncertain significance for Haddad syndrome. Last evaluated: 2021-03-27. Review status: criteria provided, single submitter. Criteria: Invitae Variant Classification Sherloc (09022015). Collection method: clinical testing. Allele origin: germline.
Comment: In summary, the available evidence is currently insufficient to determine the role of this variant in disease. Therefore, it has been classified as a Variant of Uncertain Significance. Experimental studies and prediction algorithms are not available or were not evaluated, and the functional significance of this variant is currently unknown. This variant has not been reported in the literature in individuals with PHOX2B-related conditions. This variant is not present in population databases (ExAC no frequency). This sequence change creates a premature translational stop signal (p.Arg300*) in the PHOX2B gene. While this is not anticipated to result in nonsense mediated decay, it is expected to disrupt the last 15 amino acid(s) of the PHOX2B protein.